The following is an entry in ClinVar:

ClinVar aggregate classification (germline): Uncertain significance (1 of 4 stars; one submission).

Allele frequency attached by ClinVar (database versions not stated): gnomAD exomes 0.00001.

Submission:

Labcorp Genetics (formerly Invitae), Labcorp
Classification: Uncertain significance. Last evaluated: 2022-05-02. Review status: criteria provided, single submitter. Criteria: Invitae Variant Classification Sherloc (09022015). Collection method: clinical testing. Allele origin: germline.
Comment: This sequence change replaces glutamine, which is neutral and polar, with lysine, which is basic and polar, at codon 568 of the MME protein (p.Gln568Lys). This variant is not present in population databases (gnomAD no frequency). This variant has not been reported in the literature in individuals affected with MME-related conditions. Algorithms developed to predict the effect of missense changes on protein structure and function (SIFT, PolyPhen-2, Align-GVGD) all suggest that this variant is likely to be tolerated. In summary, the available evidence is currently insufficient to determine the role of this variant in disease. Therefore, it has been classified as a Variant of Uncertain Significance.

NM_007289.4(MME):c.1702C>A (p.Gln568Lys)

Gene: MME (membrane metalloendopeptidase; plus strand). Cytogenetic location: 3q25.2.
Variant type: single nucleotide variant.
Coding change: c.1702C>A on transcript NM_007289.4 (MANE Select); coding-DNA position 1702, C replaced by A.
Protein change: p.Gln568Lys; replaces glutamine 568 with lysine.
Molecular consequence: missense variant.
Genome position (GRCh38, 1-based): chr3:155,166,943, C>A. VCF-style: chr3-155166943-C-A. GRCh37 (hg19) VCF-style: chr3-154884732-C-A.
Other names: c.1702C>A, p.Gln568Lys (NM_000902.5, NM_001354642.2, NM_001354643.1 and 2 more transcripts); short protein forms Q568K.
Identifiers: ClinVar variation 1955495 (VCV001955495.2), dbSNP rs2473155892, ClinGen allele CA355218181.